The following is an entry in ClinVar:

ClinVar aggregate classification (germline): Likely benign (0 of 4 stars; one submission).

Conditions:
PLXNA4-related disorder. Also called: PLXNA4-related condition.

Allele frequency attached by ClinVar (database versions not stated): gnomAD 0.00001; gnomAD exomes 0.00002; TOPMed 0.00003; ExAC 0.00004; ESP Exome Variant Server 0.00008.
gnomAD v4.1: 33 of 1,613,902 alleles (0.002%); highest among the groups gnomAD compares: Middle Eastern, 0.033%; no homozygotes.

Submission:

PreventionGenetics, part of Exact Sciences
Classification: Likely benign for PLXNA4-related condition. Last evaluated: 2023-01-24. Review status: no assertion criteria provided. Collection method: clinical testing. Allele origin: germline.
Comment: This variant is classified as likely benign based on ACMG/AMP sequence variant interpretation guidelines (Richards et al. 2015 PMID: 25741868, with internal and published modifications).

NM_020911.2(PLXNA4):c.2211C>T (p.Tyr737=)

Gene: PLXNA4 (plexin A4; minus strand). Cytogenetic location: 7q32.3.
Variant type: single nucleotide variant.
Coding change: c.2211C>T on transcript NM_020911.2 (MANE Select); coding-DNA position 2211, C replaced by T.
Protein change: p.Tyr737=; no amino-acid change (tyrosine 737 retained).
Molecular consequence: synonymous variant.
Genome position (GRCh38, 1-based): chr7:132,211,030, G>A on the plus strand (C>T on the coding strand, the complement: PLXNA4 is on the minus strand). VCF-style: chr7-132211030-G-A. GRCh37 (hg19) VCF-style: chr7-131895789-G-A.
Other names: c.2211C>T, p.Tyr737= (NM_001393897.1).
Identifiers: ClinVar variation 3059070 (VCV003059070.2), dbSNP rs369277253, ClinGen allele CA4489872.